The following is an entry in ClinVar:

ClinVar aggregate classification (germline): Uncertain significance (1 of 4 stars; one submission).

Conditions:
Hereditary cancer-predisposing syndrome. Also called: Neoplastic Syndromes, Hereditary; Tumor predisposition; Hereditary Cancer Syndrome; Hereditary neoplastic syndrome. Identifiers: Orphanet 140162, MedGen C0027672, MeSH D009386, MONDO:0015356.

Submission:

Ambry Genetics
Classification: Uncertain significance for Hereditary cancer-predisposing syndrome. Last evaluated: 2026-04-09. Review status: criteria provided, single submitter. Criteria: Ambry Variant Classification Scheme 2023. Collection method: clinical testing. Allele origin: germline.
Comment: The p.Q261R variant (also known as c.782A>G), located in coding exon 8 of the MITF gene, results from an A to G substitution at nucleotide position 782. The glutamine at codon 261 is replaced by arginine, an amino acid with highly similar properties. This amino acid position is conserved. In addition, this alteration is predicted to be deleterious by in silico analysis. Based on the available evidence, the clinical significance of this variant remains unclear.

NM_001354604.2(MITF):c.1103A>G (p.Gln368Arg)

Gene: MITF (melanocyte inducing transcription factor; plus strand). Cytogenetic location: 3p13.
Variant type: single nucleotide variant.
Coding change: c.1103A>G on transcript NM_001354604.2 (MANE Select); coding-DNA position 1103, A replaced by G.
Protein change: p.Gln368Arg; replaces glutamine 368 with arginine.
Molecular consequence: missense variant.
Genome position (GRCh38, 1-based): chr3:69,959,344, A>G. VCF-style: chr3-69959344-A-G. GRCh37 (hg19) VCF-style: chr3-70008495-A-G.
Other names: c.782A>G, p.Gln261Arg (NM_000248.4); c.929A>G, p.Gln310Arg (NM_001184967.2, NM_001354608.2); c.1100A>G, p.Gln367Arg (NM_001354605.2); c.1082A>G, p.Gln361Arg (NM_001354606.2, NM_006722.3); c.1034A>G, p.Gln345Arg (NM_001354607.2); c.764A>G, p.Gln255Arg (NM_198158.3); c.1085A>G, p.Gln362Arg (NM_198159.3); c.1037A>G, p.Gln346Arg (NM_198177.3); and 1 more; short protein forms Q199R, Q255R, Q261R, Q310R, Q345R, Q346R, Q361R, Q362R.
Identifiers: ClinVar variation 4860055 (VCV004860055.1).